The following is an entry in ClinVar:

NM_000059.4(BRCA2):c.8033G>A (p.Arg2678Lys)

Gene: BRCA2 (BRCA2 DNA repair associated; plus strand). Cytogenetic location: 13q13.1.
Variant type: single nucleotide variant.
Coding change: c.8033G>A on transcript NM_000059.4 (MANE Select); coding-DNA position 8033, G replaced by A.
Protein change: p.Arg2678Lys; replaces arginine 2678 with lysine.
Molecular consequence: missense variant.
Genome position (GRCh38, 1-based): chr13:32,363,235, G>A. VCF-style: chr13-32363235-G-A. GRCh37 (hg19) VCF-style: chr13-32937372-G-A.
Other names: c.7937G>A, p.Arg2646Lys (NM_001406719.1); c.8033G>A, p.Arg2678Lys (NM_001406720.1); c.3101G>A, p.Arg1034Lys (NM_001406721.1); c.1616G>A, p.Arg539Lys (NM_001406722.1); short protein forms R1034K, R2646K, R2678K, R539K.
Identifiers: ClinVar variation 1990997 (VCV001990997.6), dbSNP rs2137580113, ClinGen allele CA387748961.

ClinVar aggregate classification (germline): Uncertain significance. Review status: criteria provided, multiple submitters, no conflicts (2 of 4 stars). 2 submissions from 2 submitters: Uncertain significance (2). Last evaluated 2022-09-19.

Conditions:
Hereditary cancer-predisposing syndrome. Also called: Tumor predisposition; Hereditary Cancer Syndrome; Hereditary neoplastic syndrome; Neoplastic Syndromes, Hereditary. Identifiers: Orphanet 140162, MedGen C0027672, MeSH D009386, MONDO:0015356.
Hereditary breast ovarian cancer syndrome. Also called: BRCA1- and BRCA2-Associated Hereditary Breast and Ovarian Cancer; Hereditary breast and ovarian cancer; Hereditary breast and ovarian cancer syndrome (HBOC); Hereditary breast and/or ovarian cancer syndrome; Hereditary breast and ovarian cancer syndrome; Breast and ovarian cancer. Identifiers: Orphanet 145, MedGen C0677776, MeSH D061325, MONDO:0003582. Disease mechanism: loss of function.

Submissions (2):

Labcorp Genetics (formerly Invitae), Labcorp
Classification: Uncertain significance for Hereditary breast ovarian cancer syndrome. Last evaluated: 2022-09-19. Review status: criteria provided, single submitter. Criteria: Invitae Variant Classification Sherloc (09022015). Collection method: clinical testing. Allele origin: germline.
Comment: This sequence change replaces arginine, which is basic and polar, with lysine, which is basic and polar, at codon 2678 of the BRCA2 protein (p.Arg2678Lys). In summary, the available evidence is currently insufficient to determine the role of this variant in disease. Therefore, it has been classified as a Variant of Uncertain Significance. Advanced modeling of protein sequence and biophysical properties (such as structural, functional, and spatial information, amino acid conservation, physicochemical variation, residue mobility, and thermodynamic stability) performed at Invitae indicates that this missense variant is not expected to disrupt BRCA2 protein function. This variant has not been reported in the literature in individuals affected with BRCA2-related conditions. This variant is not present in population databases (gnomAD no frequency).

Color Diagnostics, LLC DBA Color Health
Classification: Uncertain significance for Hereditary cancer-predisposing syndrome. Last evaluated: 2022-05-31. Review status: criteria provided, single submitter. Criteria: ACMG Guidelines, 2015. Collection method: clinical testing. Allele origin: germline.
Comment: This missense variant replaces arginine with lysine at codon 2678 of the BRCA2 protein. Computational prediction suggests that this variant may not impact protein structure and function (internally defined REVEL score threshold <= 0.5, PMID: 27666373). To our knowledge, functional studies have not been reported for this variant. This variant has not been reported in individuals affected with hereditary cancer in the literature. This variant has not been identified in the general population by the Genome Aggregation Database (gnomAD). The available evidence is insufficient to determine the role of this variant in disease conclusively. Therefore, this variant is classified as a Variant of Uncertain Significance.